The following is an entry in ClinVar:

NM_052859.4(RFT1):c.519G>A (p.Trp173Ter)

Gene: RFT1 (RFT1 glycolipid translocator homolog; minus strand). Cytogenetic location: 3p21.1.
Variant type: single nucleotide variant.
Coding change: c.519G>A on transcript NM_052859.4 (MANE Select); coding-DNA position 519, G replaced by A.
Protein change: p.Trp173Ter; replaces tryptophan 173 with a stop codon.
Molecular consequence: nonsense.
Genome position (GRCh38, 1-based): chr3:53,121,738, C>T on the plus strand (G>A on the coding strand, the complement: RFT1 is on the minus strand). VCF-style: chr3-53121738-C-T. GRCh37 (hg19) VCF-style: chr3-53155754-C-T.
Other names: short protein forms W173*.
Identifiers: ClinVar variation 1466980 (VCV001466980.6), dbSNP rs759320646, ClinGen allele CA74812807.

ClinVar aggregate classification (germline): Uncertain significance (1 of 4 stars; one submission).

Conditions:
RFT1-congenital disorder of glycosylation (CDG1N). Also called: CDG In; Congenital disorder of glycosylation type In; RFT1-CDG. Identifiers: Orphanet 244310, MedGen C2677590, MONDO:0012783, OMIM 612015.

Submission:

Labcorp Genetics (formerly Invitae), Labcorp
Classification: Uncertain significance for RFT1-congenital disorder of glycosylation. Last evaluated: 2022-07-12. Review status: criteria provided, single submitter. Criteria: Invitae Variant Classification Sherloc (09022015). Collection method: clinical testing. Allele origin: germline.
Comment: This sequence change creates a premature translational stop signal (p.Trp173*) in the RFT1 gene. It is expected to result in an absent or disrupted protein product. However, the current clinical and genetic evidence is not sufficient to establish whether loss-of-function variants in RFT1 cause disease. This variant is not present in population databases (gnomAD no frequency). This variant has not been reported in the literature in individuals affected with RFT1-related conditions. ClinVar contains an entry for this variant (Variation ID: 1466980). In summary, the available evidence is currently insufficient to determine the role of this variant in disease. Therefore, it has been classified as a Variant of Uncertain Significance.